The following is an entry in ClinVar:

ClinVar aggregate classification (germline): Uncertain significance (1 of 4 stars; one submission).

Submission:

GeneDx
Classification: Uncertain significance. Last evaluated: 2025-01-31. Review status: criteria provided, single submitter. Criteria: GeneDx Variant Classification Process June 2021. Collection method: clinical testing. Allele origin: germline. Affected: yes.
Comment: Not observed at significant frequency in large population cohorts (gnomAD); In silico analysis indicates that this missense variant does not alter protein structure/function; Has not been previously published as pathogenic or benign to our knowledge

NM_024757.5(EHMT1):c.2464G>A (p.Val822Met)

Gene: EHMT1 (euchromatic histone lysine methyltransferase 1; plus strand). Cytogenetic location: 9q34.3.
Variant type: single nucleotide variant.
Coding change: c.2464G>A on transcript NM_024757.5 (MANE Select); coding-DNA position 2464, G replaced by A.
Protein change: p.Val822Met; replaces valine 822 with methionine.
Molecular consequence: missense variant.
Genome position (GRCh38, 1-based): chr9:137,790,929, G>A. VCF-style: chr9-137790929-G-A. GRCh37 (hg19) VCF-style: chr9-140685381-G-A.
Other names: c.2371G>A, p.Val791Met (NM_001354259.2); c.2443G>A, p.Val815Met (NM_001354263.2); short protein forms V791M, V815M, V822M.
Identifiers: ClinVar variation 4072770 (VCV004072770.1).